The following is an entry in ClinVar:

ClinVar aggregate classification (germline): Conflicting classifications of pathogenicity. Review status: criteria provided, conflicting classifications (1 of 4 stars). 2 submissions from 2 submitters: Uncertain significance (1); Likely benign (1). Last evaluated 2026-03-12.

Conditions:
Osteogenesis imperfecta type I (OI1). Also called: Lobstein's Disease; OI, TYPE I; OSTEOGENESIS IMPERFECTA TARDA; OSTEOGENESIS IMPERFECTA WITH BLUE SCLERAE; Lobstein disease; Osteogenesis imperfecta type 1. Identifiers: Orphanet 216796, Orphanet 666, MedGen C0023931, MONDO:0008146, OMIM 166200. Disease mechanism: loss of function.
Cardiovascular phenotype. Identifiers: MedGen CN230736.

Allele frequency attached by ClinVar (database versions not stated): TOPMed below 0.00001; gnomAD exomes 0.00001.
gnomAD v4.1: 2 of 1,602,464 alleles (0.00012%); highest among the groups gnomAD compares: Admixed American, 0.0034%; no homozygotes.

Submissions (2):

Ambry Genetics
Classification: Likely benign for Cardiovascular phenotype. Last evaluated: 2026-03-12. Review status: criteria provided, single submitter. Criteria: Ambry Variant Classification Scheme 2023. Collection method: clinical testing. Allele origin: germline.

Labcorp Genetics (formerly Invitae), Labcorp
Classification: Uncertain significance for Osteogenesis imperfecta type I. Last evaluated: 2019-09-29. Review status: criteria provided, single submitter. Criteria: Invitae Variant Classification Sherloc (09022015). Collection method: clinical testing. Allele origin: germline.
Comment: In summary, the available evidence is currently insufficient to determine the role of this variant in disease. Therefore, it has been classified as a Variant of Uncertain Significance. Algorithms developed to predict the effect of missense changes on protein structure and function (SIFT, PolyPhen-2, Align-GVGD) all suggest that this variant is likely to be disruptive, but these predictions have not been confirmed by published functional studies and their clinical significance is uncertain. This variant has not been reported in the literature in individuals with COL1A1-related conditions. This variant is not present in population databases (ExAC no frequency). This sequence change replaces arginine with threonine at codon 679 of the COL1A1 protein (p.Arg679Thr). The arginine residue is highly conserved and there is a moderate physicochemical difference between arginine and threonine.

NM_000088.4(COL1A1):c.2036G>C (p.Arg679Thr)

Gene: COL1A1 (collagen type I alpha 1 chain; minus strand). Cytogenetic location: 17q21.33.
Variant type: single nucleotide variant.
Coding change: c.2036G>C on transcript NM_000088.4 (MANE Select); coding-DNA position 2036, G replaced by C.
Protein change: p.Arg679Thr; replaces arginine 679 with threonine.
Molecular consequence: missense variant.
Genome position (GRCh38, 1-based): chr17:50,191,879, C>G on the plus strand (G>C on the coding strand, the complement: COL1A1 is on the minus strand). VCF-style: chr17-50191879-C-G. GRCh37 (hg19) VCF-style: chr17-48269240-C-G.
Other names: short protein forms R679T.
Identifiers: ClinVar variation 971952 (VCV000971952.11), dbSNP rs972507105, ClinGen allele CA291544069.